The following is an entry in ClinVar:

ClinVar aggregate classification (germline): Uncertain significance (1 of 4 stars; one submission).

Conditions:
Combined immunodeficiency due to LRBA deficiency. Also called: Common variable immunodeficiency 8, with autoimmunity. Identifiers: Orphanet 445018, MedGen C3553512, MONDO:0013863, OMIM 614700.

Submission:

Labcorp Genetics (formerly Invitae), Labcorp
Classification: Uncertain significance for Combined immunodeficiency due to LRBA deficiency. Last evaluated: 2023-05-03. Review status: criteria provided, single submitter. Criteria: Invitae Variant Classification Sherloc (09022015). Collection method: clinical testing. Allele origin: germline.
Comment: In summary, the available evidence is currently insufficient to determine the role of this variant in disease. Therefore, it has been classified as a Variant of Uncertain Significance. Advanced modeling of protein sequence and biophysical properties (such as structural, functional, and spatial information, amino acid conservation, physicochemical variation, residue mobility, and thermodynamic stability) has been performed at Invitae for this missense variant, however the output from this modeling did not meet the statistical confidence thresholds required to predict the impact of this variant on LRBA protein function. This variant has not been reported in the literature in individuals affected with LRBA-related conditions. This variant is not present in population databases (gnomAD no frequency). This sequence change replaces methionine, which is neutral and non-polar, with isoleucine, which is neutral and non-polar, at codon 2164 of the LRBA protein (p.Met2164Ile).

NM_001364905.1(LRBA):c.6459G>T (p.Met2153Ile)

Gene: LRBA (LPS responsive beige-like anchor protein; minus strand). Cytogenetic location: 4q31.3.
Variant type: single nucleotide variant.
Coding change: c.6459G>T on transcript NM_001364905.1 (MANE Select); coding-DNA position 6459, G replaced by T.
Protein change: p.Met2153Ile; replaces methionine 2153 with isoleucine.
Molecular consequence: missense variant.
Genome position (GRCh38, 1-based): chr4:150,487,824, C>A on the plus strand (G>T on the coding strand, the complement: LRBA is on the minus strand). VCF-style: chr4-150487824-C-A. GRCh37 (hg19) VCF-style: chr4-151408976-C-A.
Other names: c.6459G>T, p.Met2153Ile (NM_001199282.3, NM_001367550.1); c.6492G>T, p.Met2164Ile (NM_006726.5); short protein forms M2153I, M2164I.
Identifiers: ClinVar variation 2861908 (VCV002861908.3), dbSNP rs1031938962, ClinGen allele CA358607297.